The following is an entry in ClinVar:

NM_006790.3(MYOT):c.1424A>C (p.Gln475Pro)

Genes: PKD2L2-DT (PKD2L2 divergent transcript; minus strand), MYOT (myotilin; plus strand). Cytogenetic location: 5q31.2.
Variant type: single nucleotide variant.
Coding change: c.1424A>C on transcript NM_006790.3 (MANE Select); coding-DNA position 1424, A replaced by C.
Protein change: p.Gln475Pro; replaces glutamine 475 with proline.
Molecular consequence: missense variant.
Genome position (GRCh38, 1-based): chr5:137,887,312, A>C. VCF-style: chr5-137887312-A-C. GRCh37 (hg19) VCF-style: chr5-137223001-A-C.
Other names: c.872A>C, p.Gln291Pro (NM_001135940.2); c.1079A>C, p.Gln360Pro (NM_001300911.2); short protein forms Q360P, Q291P, Q475P.
Identifiers: ClinVar variation 2975121 (VCV002975121.3), dbSNP rs1257620091, ClinGen allele CA361056895.

ClinVar aggregate classification (germline): Uncertain significance (1 of 4 stars; one submission).

Conditions:
Myofibrillar myopathy 3 (MFM3). Also called: Autosomal dominant spheroid body myopathy; Muscular dystrophy, proximal, type 1A. Identifiers: Orphanet 266, Orphanet 268129, MedGen C3714934, MONDO:0012215, OMIM 609200.

Allele frequency attached by ClinVar (database versions not stated): gnomAD exomes below 0.00001; TOPMed 0.00001.

Submission:

Labcorp Genetics (formerly Invitae), Labcorp
Classification: Uncertain significance for Myofibrillar myopathy 3. Last evaluated: 2025-11-12. Review status: criteria provided, single submitter. Criteria: Invitae Variant Classification Sherloc (09022015). Collection method: clinical testing. Allele origin: germline.
Comment: This sequence change replaces glutamine, which is neutral and polar, with proline, which is neutral and non-polar, at codon 475 of the MYOT protein (p.Gln475Pro). This variant is present in population databases (no rsID available, gnomAD 0.003%). This variant has not been reported in the literature in individuals affected with MYOT-related conditions. ClinVar contains an entry for this variant (Variation ID: 2975121). An algorithm developed to predict the effect of missense changes on protein structure and function (PolyPhen-2) suggests that this variant is likely to be tolerated. In summary, the available evidence is currently insufficient to determine the role of this variant in disease. Therefore, it has been classified as a Variant of Uncertain Significance.